The following is an entry in ClinVar:

ClinVar aggregate classification (germline): Uncertain significance (1 of 4 stars; one submission).

gnomAD v4.1: 1 of 1,600,338 alleles (0.000062%); no homozygotes.

Submission:

Labcorp Genetics (formerly Invitae), Labcorp
Classification: Uncertain significance. Last evaluated: 2022-06-14. Review status: criteria provided, single submitter. Criteria: Invitae Variant Classification Sherloc (09022015). Collection method: clinical testing. Allele origin: germline.
Comment: In summary, the available evidence is currently insufficient to determine the role of this variant in disease. Therefore, it has been classified as a Variant of Uncertain Significance. Algorithms developed to predict the effect of missense changes on protein structure and function (SIFT, PolyPhen-2, Align-GVGD) all suggest that this variant is likely to be tolerated. This variant has not been reported in the literature in individuals affected with DGKZ-related conditions. This variant is not present in population databases (gnomAD no frequency). This sequence change replaces alanine, which is neutral and non-polar, with glycine, which is neutral and non-polar, at codon 847 of the DGKZ protein (p.Ala847Gly).

NM_001199267.2(DGKZ):c.1973C>G (p.Ala658Gly)

Gene: DGKZ (diacylglycerol kinase zeta; plus strand). Cytogenetic location: 11p11.2.
Variant type: single nucleotide variant.
Coding change: c.1973C>G on transcript NM_001199267.2 (MANE Select); coding-DNA position 1973, C replaced by G.
Protein change: p.Ala658Gly; replaces alanine 658 with glycine.
Molecular consequence: missense variant.
Genome position (GRCh38, 1-based): chr11:46,375,916, C>G. VCF-style: chr11-46375916-C-G. GRCh37 (hg19) VCF-style: chr11-46397466-C-G.
Other names: c.2540C>G, p.Ala847Gly (NM_001105540.2); c.1976C>G, p.Ala659Gly (NM_001199266.2, NM_003646.4); c.1907C>G, p.Ala636Gly (NM_001199268.2); c.2024C>G, p.Ala675Gly (NM_201532.3); c.1988C>G, p.Ala663Gly (NM_201533.3); short protein forms A659G, A663G, A658G, A636G, A675G, A847G.
Identifiers: ClinVar variation 2006152 (VCV002006152.4), dbSNP rs1168535779, ClinGen allele CA380225045.